The following is an entry in ClinVar:

NM_001267550.2(TTN):c.34613-18A>G

Gene: TTN (titin; minus strand). Cytogenetic location: 2q31.2.
Variant type: single nucleotide variant.
Coding change: c.34613-18A>G on transcript NM_001267550.2 (MANE Select); 18 bases into the intron before coding-DNA position 34613, A replaced by G.
Molecular consequence: intron variant.
Genome position (GRCh38, 1-based): chr2:178,674,427, T>C on the plus strand (A>G on the coding strand, the complement: TTN is on the minus strand). VCF-style: chr2-178674427-T-C. GRCh37 (hg19) VCF-style: chr2-179539154-T-C.
Other names: c.33491-18A>G (NM_001256850.1); c.13283-32110A>G (NM_003319.4); c.13859-32110A>G (NM_133437.4); c.13658-32110A>G (NM_133432.3); c.30710-18A>G (NM_133378.4).
Identifiers: ClinVar variation 517773 (VCV000517773.10), dbSNP rs372828399, ClinGen allele CA1998024.

ClinVar aggregate classification (germline): Likely benign. Review status: criteria provided, multiple submitters, no conflicts (2 of 4 stars). 3 submissions from 3 submitters: Likely benign (3). Last evaluated 2026-02-01.

Conditions:
Dilated cardiomyopathy 1G (CMD1G). Identifiers: Orphanet 154, MedGen C1858763, MONDO:0011400, OMIM 604145.
Autosomal recessive limb-girdle muscular dystrophy type 2J (LGMDR10). Also called: Limb-girdle muscular dystrophy, type 2J; MUSCULAR DYSTROPHY, LIMB-GIRDLE, AUTOSOMAL RECESSIVE 10. Identifiers: Orphanet 140922, MedGen C1837342, MONDO:0012127, OMIM 608807.

Allele frequency attached by ClinVar (database versions not stated): gnomAD 0.00001 and 0.00002; gnomAD exomes 0.00004 and 0.00017; TOPMed 0.00005; 1000 Genomes Project 30x 0.00016; 1000 Genomes Project 0.00020; ExAC 0.00023.
gnomAD v4.1: 53 of 1,341,912 alleles (0.0039%); highest among the groups gnomAD compares: East Asian, 0.11%; no homozygotes.

Submissions (3):

Labcorp Genetics (formerly Invitae), Labcorp
Classification: Likely benign for Dilated cardiomyopathy 1G; Autosomal recessive limb-girdle muscular dystrophy type 2J. Last evaluated: 2026-02-01. Review status: criteria provided, single submitter. Criteria: Invitae Variant Classification Sherloc (09022015). Collection method: clinical testing. Allele origin: germline.

Women's Health and Genetics/Laboratory Corporation of America, LabCorp
Classification: Likely benign. Last evaluated: 2023-08-19. Review status: criteria provided, single submitter. Criteria: LabCorp Variant Classification Summary - May 2015. Collection method: clinical testing. Allele origin: germline.

GeneDx
Classification: Likely benign. Last evaluated: 2017-03-02. Review status: criteria provided, single submitter. Criteria: GeneDx Variant Classification (06012015). Collection method: clinical testing. Allele origin: germline. Affected: yes.
Comment: This variant is considered likely benign or benign based on one or more of the following criteria: it is a conservative change, it occurs at a poorly conserved position in the protein, it is predicted to be benign by multiple in silico algorithms, and/or has population frequency not consistent with disease.